The following is an entry in ClinVar:

ClinVar aggregate classification (germline): Uncertain significance (1 of 4 stars; one submission).

Conditions:
CCDC71L-related condition.

Submission:

PreventionGenetics, part of Exact Sciences
Classification: Uncertain significance for CCDC71L-related condition. Last evaluated: 2026-02-10. Review status: criteria provided, single submitter. Criteria: ACMG Guidelines, 2015. Collection method: clinical testing. Allele origin: germline.
Comment: The CCDC71L c.292G>A variant is predicted to result in the amino acid substitution p.Val98Ile. To our knowledge, this variant has not been reported in the literature or in a large population database (gnomAD), indicating this variant is rare. At this time, the clinical significance of this variant is uncertain due to the absence of conclusive functional and genetic evidence.

NM_175884.6(CCDC71L):c.292G>A (p.Val98Ile)

Gene: CCDC71L (coiled-coil domain containing 71 like; minus strand). Cytogenetic location: 7q22.3.
Variant type: single nucleotide variant.
Coding change: c.292G>A on transcript NM_175884.6 (MANE Select); coding-DNA position 292, G replaced by A.
Protein change: p.Val98Ile; replaces valine 98 with isoleucine.
Molecular consequence: missense variant.
Genome position (GRCh38, 1-based): chr7:106,660,605, C>T on the plus strand (G>A on the coding strand, the complement: CCDC71L is on the minus strand). VCF-style: chr7-106660605-C-T. GRCh37 (hg19) VCF-style: chr7-106301051-C-T.
Other names: short protein forms V98I.
Identifiers: ClinVar variation 4986895 (VCV004986895.1).